The following is an entry in ClinVar:

NM_012254.3(SLC27A5):c.1079C>T (p.Pro360Leu)

Gene: SLC27A5 (solute carrier family 27 member 5; minus strand). Cytogenetic location: 19q13.43.
Variant type: single nucleotide variant.
Coding change: c.1079C>T on transcript NM_012254.3 (MANE Select); coding-DNA position 1079, C replaced by T.
Protein change: p.Pro360Leu; replaces proline 360 with leucine.
Molecular consequence: missense variant.
Genome position (GRCh38, 1-based): chr19:58,501,389, G>A on the plus strand (C>T on the coding strand, the complement: SLC27A5 is on the minus strand). VCF-style: chr19-58501389-G-A. GRCh37 (hg19) VCF-style: chr19-59012756-G-A.
Other names: c.827C>T, p.Pro276Leu (NM_001321196.2); short protein forms P276L, P360L.
Identifiers: ClinVar variation 4990523 (VCV004990523.1).

ClinVar aggregate classification (germline): Uncertain significance (1 of 4 stars; one submission).

Conditions:
SLC27A5-related disorder. Also called: SLC27A5-related condition.

gnomAD v4.1: 4 of 1,613,550 alleles (0.00025%); highest among the groups gnomAD compares: African/African-American, 0.004%; no homozygotes.

Submission:

PreventionGenetics, part of Exact Sciences
Classification: Uncertain significance for SLC27A5-related condition. Last evaluated: 2026-03-11. Review status: criteria provided, single submitter. Criteria: ACMG Guidelines, 2015. Collection method: clinical testing. Allele origin: germline.
Comment: The SLC27A5 c.1079C>T variant is predicted to result in the amino acid substitution p.Pro360Leu. To our knowledge, this variant has not been reported in the literature. This variant is reported in 0.0062% of alleles in individuals of African descent in gnomAD. At this time, the clinical significance of this variant is uncertain due to the absence of conclusive functional and genetic evidence.